The following is an entry in ClinVar:

NM_002693.3(POLG):c.3409dup (p.Val1137fs)

Gene: POLG (DNA polymerase gamma, catalytic subunit; minus strand). Cytogenetic location: 15q26.1.
Variant type: Duplication.
Coding change: c.3409dup on transcript NM_002693.3 (MANE Select); coding-DNA position 3409, one base duplicated (G; older notation c.3409dupG).
Protein change: p.Val1137fs; shifts the reading frame from valine 1137.
Molecular consequence: frameshift variant.
Genome position (GRCh38, 1-based): chr15:89,318,614, C duplicated on the plus strand (G on the coding strand, the reverse complement: POLG is on the minus strand); the first of 2 consecutive C bases (chr15:89,318,614-89,318,615); duplicating either gives the same sequence. VCF-style (leftmost placement, unchanged base first): chr15-89318613-A-AC. GRCh37 (hg19) VCF-style: chr15-89861844-A-AC.
Other names: c.3409dup, p.Val1137fs (NM_001126131.2); c.3409dupG (NM_002693.2); short protein forms V1137fs.
Identifiers: ClinVar variation 423899 (VCV000423899.14), dbSNP rs1555452461, ClinGen allele CA16620018.

ClinVar aggregate classification (germline): Pathogenic/Likely pathogenic. Review status: criteria provided, multiple submitters, no conflicts (2 of 4 stars). 3 submissions from 3 submitters: Pathogenic (1); Likely pathogenic (2). Last evaluated 2024-05-22.

Conditions:
Progressive sclerosing poliodystrophy (MTDPS4A). Also called: Mitochondrial DNA depletion syndrome 4A (Alpers type); Alpers Syndrome; ALPERS DIFFUSE DEGENERATION OF CEREBRAL GRAY MATTER WITH HEPATIC CIRRHOSIS; Mitochondrial DNA Depletion Syndrome 4A; Alpers-Huttenlocher Syndrome (AHS); ALPERS PROGRESSIVE INFANTILE POLIODYSTROPHY. Identifiers: Orphanet 726, MedGen C0205710, MONDO:0008758, OMIM 203700.

Submissions (3):

Labcorp Genetics (formerly Invitae), Labcorp
Classification: Pathogenic for Progressive sclerosing poliodystrophy. Last evaluated: 2024-05-22. Review status: criteria provided, single submitter. Criteria: Invitae Variant Classification Sherloc (09022015). Collection method: clinical testing. Allele origin: germline.
Comment: This sequence change creates a premature translational stop signal (p.Val1137Glyfs*36) in the POLG gene. It is expected to result in an absent or disrupted protein product. Loss-of-function variants in POLG are known to be pathogenic (PMID: 18546365). This variant is not present in population databases (gnomAD no frequency). This variant has not been reported in the literature in individuals affected with POLG-related conditions. ClinVar contains an entry for this variant (Variation ID: 423899). For these reasons, this variant has been classified as Pathogenic.

ARUP Laboratories, Molecular Genetics and Genomics, ARUP Laboratories
Classification: Likely pathogenic. Last evaluated: 2017-03-25. Review status: criteria provided, single submitter. Criteria: ARUP Molecular Germline Variant Investigation Process. Collection method: clinical testing. Allele origin: germline.

GeneDx
Classification: Likely pathogenic. Last evaluated: 2017-02-27. Review status: criteria provided, single submitter. Criteria: GeneDx Variant Classification (06012015). Collection method: clinical testing. Allele origin: germline. Affected: yes.
Comment: A variant that is likely pathogenic has been identified in the POLG gene. The c.3409dupG variant has not been published as a pathogenic variant, nor has it been reported as a benign variant to our knowledge. The c.3409dupG variant causes a frameshift starting with codon Valine 1137, changes this amino acid to a Glycine residue and creates a premature Stop codon at position 36 of the new reading frame, denoted p.Val1137GlyfsX36. This pathogenic variant is predicted to cause loss of normal protein function either through protein truncation or nonsense-mediated mRNA decay. Furthermore, the c.3409dupG variant is not observed in large population cohorts (Lek et al., 2016; 1000 Genomes Consortium et al., 2015; Exome Variant Server). Although the c.3409dupG variant has not been reported previously to our knowledge, other frameshift variants have been reported in the Human Gene Mutation Database in association with POLG-related disorders (Stenson et al., 2014). Therefore, this variant is likely pathogenic; however, the possibility that it is benign cannot be excluded.

Literature cited by the submitters: PubMed 18546365 (cited by Labcorp Genetics (formerly Invitae), Labcorp).